The following is an entry in ClinVar:

NM_000219.6(KCNE1):c.320A>C (p.Tyr107Ser)

Gene: KCNE1 (potassium voltage-gated channel subfamily E regulatory subunit 1; minus strand). Cytogenetic location: 21q22.12.
Variant type: single nucleotide variant.
Coding change: c.320A>C on transcript NM_000219.6 (MANE Select); coding-DNA position 320, A replaced by C.
Protein change: p.Tyr107Ser; replaces tyrosine 107 with serine.
Molecular consequence: missense variant.
Genome position (GRCh38, 1-based): chr21:34,449,315, T>G on the plus strand (A>C on the coding strand, the complement: KCNE1 is on the minus strand). VCF-style: chr21-34449315-T-G. GRCh37 (hg19) VCF-style: chr21-35821613-T-G.
Other names: c.320A>C, p.Tyr107Ser (NM_001127668.4, NM_001127669.4, NM_001127670.4 and 4 more transcripts); short protein forms Y107S.
Identifiers: ClinVar variation 3374629 (VCV003374629.2).

Conditions:
Long QT syndrome 5 (LQT5). Identifiers: Orphanet 101016, Orphanet 768, MedGen C1867904, MONDO:0013372, OMIM 613695.

gnomAD v4.1: 1 of 1,450,648 alleles (0.000069%); highest among the groups gnomAD compares: Non-Finnish European, 0.000096%; no homozygotes.

Submission:

Roden Lab, Vanderbilt University Medical Center
No classification provided (evidence only). Condition: Long QT syndrome 5. Review status: no classification provided. Collection method: in vitro. Allele origin: not applicable. Functional consequence: Effect on ion channel function.
ClinVar note: "not provided" was previously submitted as the classification for the variant. However, the classification appeared to be based only on an observation of functional data so it was converted to no classification on 2025-07-30.